The following is an entry in ClinVar:

NM_003500.4(ACOX2):c.1984-6A>C

Gene: ACOX2 (acyl-CoA oxidase 2; minus strand). Cytogenetic location: 3p14.3.
Variant type: single nucleotide variant.
Coding change: c.1984-6A>C on transcript NM_003500.4 (MANE Select); 6 bases into the intron before coding-DNA position 1984, A replaced by C.
Molecular consequence: intron variant.
Genome position (GRCh38, 1-based): chr3:58,505,292, T>G on the plus strand (A>C on the coding strand, the complement: ACOX2 is on the minus strand). VCF-style: chr3-58505292-T-G. GRCh37 (hg19) VCF-style: chr3-58491019-T-G.
Identifiers: ClinVar variation 4991163 (VCV004991163.1).

ClinVar aggregate classification (germline): Likely benign (1 of 4 stars; one submission).

Conditions:
ACOX2-related disorder. Also called: ACOX2-related condition.

Submission:

PreventionGenetics, part of Exact Sciences
Classification: Likely benign for ACOX2-related condition. Last evaluated: 2026-05-29. Review status: criteria provided, single submitter. Criteria: ACMG Guidelines, 2015. Collection method: clinical testing. Allele origin: germline.
Comment: This variant is classified as likely benign based on ACMG/AMP sequence variant interpretation guidelines (Richards et al. 2015 PMID: 25741868, with internal and published modifications).